The following is an entry in ClinVar:

NM_019616.4(F7):c.1018G>A (p.Val340Met)

Gene: F7 (coagulation factor VII; plus strand). Cytogenetic location: 13q34.
Variant type: single nucleotide variant.
Coding change: c.1018G>A on transcript NM_019616.4 (MANE Select); coding-DNA position 1018, G replaced by A.
Protein change: p.Val340Met; replaces valine 340 with methionine.
Molecular consequence: missense variant. On other transcripts: non-coding transcript variant (1).
Genome position (GRCh38, 1-based): chr13:113,118,691, G>A. VCF-style: chr13-113118691-G-A. GRCh37 (hg19) VCF-style: chr13-113773005-G-A.
Other names: p.Val362Met; c.1084G>A, p.Val362Met (NM_000131.5); c.832G>A, p.Val278Met (NM_001267554.2); short protein forms V278M, V340M, V362M.
Identifiers: ClinVar variation 1878983 (VCV001878983.4), dbSNP rs757669648, ClinGen allele CA7060215.
Genomic context (GRCh38, chr13:113,118,691, plus strand): 5'-AGCGGCTGGGGCCAGCTGCTGGACCGTGGCGCCACGGCCCTGGAGCTCATGGTCCTCAAC[G>A]TGCCCCGGCTGATGACCCAGGACTGCCTGCAGCAGTCACGGAAGGTGGGAGACTCCCCAA-3'
Protein context (NP_062562.1, residues 330-350): ATALELMVLN[Val340Met]PRLMTQDCLQ

ClinVar aggregate classification (germline): Uncertain significance. Review status: criteria provided, multiple submitters, no conflicts (2 of 4 stars). 3 submissions from 3 submitters: Uncertain significance (3). Last evaluated 2024-07-16.

Allele frequency attached by ClinVar (database versions not stated): gnomAD 0.00001; TOPMed 0.00004; ExAC 0.00006.
gnomAD v4.1: 11 of 1,612,662 alleles (0.00068%); highest among the groups gnomAD compares: Admixed American, 0.015%; no homozygotes.

Submissions (3):

Mayo Clinic Laboratories, Mayo Clinic
Classification: Uncertain significance. Last evaluated: 2024-07-16. Review status: criteria provided, single submitter. Criteria: ACMG Guidelines, 2015. Collection method: clinical testing. Allele origin: germline. Observed: 1 variant allele.
Comment: PM2

Women's Health and Genetics/Laboratory Corporation of America, LabCorp
Classification: Uncertain significance. Last evaluated: 2024-03-20. Review status: criteria provided, single submitter. Criteria: LabCorp Variant Classification Summary - May 2015. Collection method: clinical testing. Allele origin: germline.
Comment: Variant summary: F7 c.1084G>A (p.Val362Met) results in a conservative amino acid change located in the Serine proteases, trypsin domain (IPR001254) of the encoded protein sequence. Four of five in-silico tools predict a damaging effect of the variant on protein function. The variant allele was found at a frequency of 4.8e-05 in 248736 control chromosomes in the gnomAD database, including 1 homozygote. c.1084G>A has been reported in the literature in an individual affected with Congenital factor VII deficiency (Quintavalle_2017, F7 Variant Database). These data do not allow any conclusion about variant significance. To our knowledge, no experimental evidence demonstrating an impact on protein function has been reported. The following publication has been ascertained in the context of this evaluation (PMID: 28447100). ClinVar contains an entry for this variant (Variation ID: 1878983). Based on the evidence outlined above, the variant was classified as uncertain significance.

GeneDx
Classification: Uncertain significance. Last evaluated: 2022-07-14. Review status: criteria provided, single submitter. Criteria: GeneDx Variant Classification Process June 2021. Collection method: clinical testing. Allele origin: germline. Affected: yes.
Comment: In silico analysis supports that this missense variant does not alter protein structure/function; Observed in a cohort of patients with factor VII deficiency, however no additional information was provided (Quintavalle et al., 2017); This variant is associated with the following publications: (PMID: 28447100)

Literature cited by the submitters: PubMed 28447100 (cited by Mayo Clinic Laboratories, Mayo Clinic and Women's Health and Genetics/Laboratory Corporation of America, LabCorp).